The following is an entry in ClinVar:

NM_002184.4(IL6ST):c.527G>A (p.Arg176His)

Gene: IL6ST (interleukin 6 cytokine family signal transducer; minus strand). Cytogenetic location: 5q11.2.
Variant type: single nucleotide variant.
Coding change: c.527G>A on transcript NM_002184.4 (MANE Select); coding-DNA position 527, G replaced by A.
Protein change: p.Arg176His; replaces arginine 176 with histidine.
Molecular consequence: missense variant. On other transcripts: 5 prime UTR variant (3), non-coding transcript variant (2).
Genome position (GRCh38, 1-based): chr5:55,964,277, C>T on the plus strand (G>A on the coding strand, the complement: IL6ST is on the minus strand). VCF-style: chr5-55964277-C-T. GRCh37 (hg19) VCF-style: chr5-55260105-C-T.
Other names: c.527G>A, p.Arg176His (NM_001190981.2, NM_001364275.2, NM_175767.3); c.317G>A, p.Arg106His (NM_001364276.2); c.-387G>A (NM_001364277.2, NM_001364279.2); c.-377G>A (NM_001364278.2); c.527G>A (NM_002184.3); short protein forms R106H, R176H.
Identifiers: ClinVar variation 2157312 (VCV002157312.5), dbSNP rs778569096, ClinGen allele CA3271676.

ClinVar aggregate classification (germline): Uncertain significance. Review status: criteria provided, multiple submitters, no conflicts (2 of 4 stars). 2 submissions from 2 submitters: Uncertain significance (2). Last evaluated 2025-11-03.

Allele frequency attached by ClinVar (database versions not stated): ExAC 0.00002; TOPMed 0.00002; gnomAD 0.00003.
gnomAD v4.1: 16 of 1,611,702 alleles (0.00099%); highest among the groups gnomAD compares: African/African-American, 0.0053%; no homozygotes.

Submissions (2):

Ambry Genetics
Classification: Uncertain significance. Last evaluated: 2025-11-03. Review status: criteria provided, single submitter. Criteria: Ambry Variant Classification Scheme 2023. Collection method: clinical testing. Allele origin: germline.

Labcorp Genetics (formerly Invitae), Labcorp
Classification: Uncertain significance. Last evaluated: 2025-02-10. Review status: criteria provided, single submitter. Criteria: Invitae Variant Classification Sherloc (09022015). Collection method: clinical testing. Allele origin: germline.
Comment: This sequence change replaces arginine, which is basic and polar, with histidine, which is basic and polar, at codon 176 of the IL6ST protein (p.Arg176His). This variant is present in population databases (rs778569096, gnomAD 0.01%). This variant has not been reported in the literature in individuals affected with IL6ST-related conditions. ClinVar contains an entry for this variant (Variation ID: 2157312). An algorithm developed to predict the effect of missense changes on protein structure and function outputs the following: PolyPhen-2: "Benign". The histidine amino acid residue is found in multiple mammalian species, which suggests that this missense change does not adversely affect protein function. In summary, the available evidence is currently insufficient to determine the role of this variant in disease. Therefore, it has been classified as a Variant of Uncertain Significance.